The following is an entry in ClinVar:

ClinVar aggregate classification (germline): Uncertain significance (1 of 4 stars; one submission).

Conditions:
MHC class I deficiency. Identifiers: Orphanet 34592, MedGen C6024714, MONDO:0011476.

Allele frequency attached by ClinVar (database versions not stated): TOPMed below 0.00001.
gnomAD v4.1: 3 of 1,613,102 alleles (0.00019%); highest among the groups gnomAD compares: Non-Finnish European, 0.00025%; no homozygotes.

Submission:

Labcorp Genetics (formerly Invitae), Labcorp
Classification: Uncertain significance for MHC class I deficiency 1. Last evaluated: 2021-06-01. Review status: criteria provided, single submitter. Criteria: Invitae Variant Classification Sherloc (09022015). Collection method: clinical testing. Allele origin: germline.
Comment: This sequence change replaces threonine with lysine at codon 598 of the TAP2 protein (p.Thr598Lys). The threonine residue is highly conserved and there is a moderate physicochemical difference between threonine and lysine. This variant is not present in population databases (ExAC no frequency). This variant has not been reported in the literature in individuals with TAP2-related conditions. Algorithms developed to predict the effect of missense changes on protein structure and function are either unavailable or do not agree on the potential impact of this missense change (SIFT: "Deleterious"; PolyPhen-2: "Not Available"; Align-GVGD: "Class C0"). In summary, the available evidence is currently insufficient to determine the role of this variant in disease. Therefore, it has been classified as a Variant of Uncertain Significance.

NM_001290043.2(TAP2):c.1793C>A (p.Thr598Lys)

Gene: TAP2 (transporter 2, ATP binding cassette subfamily B member; minus strand). Cytogenetic location: 6p21.32.
Variant type: single nucleotide variant.
Coding change: c.1793C>A on transcript NM_001290043.2 (MANE Select); coding-DNA position 1793, C replaced by A.
Protein change: p.Thr598Lys; replaces threonine 598 with lysine.
Molecular consequence: missense variant.
Genome position (GRCh38, 1-based): chr6:32,829,932, G>T on the plus strand (C>A on the coding strand, the complement: TAP2 is on the minus strand). VCF-style: chr6-32829932-G-T. GRCh37 (hg19) VCF-style: chr6-32797709-G-T.
Other names: c.1793C>A, p.Thr598Lys (NM_000544.3, NM_018833.3); short protein forms T598K.
Identifiers: ClinVar variation 1494666 (VCV001494666.7), dbSNP rs1457217176, ClinGen allele CA363579337.